The following is an entry in ClinVar:

ClinVar aggregate classification (germline): Uncertain significance. Review status: criteria provided, multiple submitters, no conflicts (2 of 4 stars). 3 submissions from 3 submitters: Uncertain significance (2). 1 of the submissions does not count toward it. Last evaluated 2024-03-07.

Conditions:
NPHP1-related disorder. Also called: NPHP1-related condition; NPHP1-related disorders.
Joubert syndrome with renal defect. Also called: JOUBERT SYNDROME 4. Identifiers: Orphanet 220497, MedGen C1846790, MONDO:0012308, OMIM 609583.
Nephronophthisis 1 (NPHP1). Also called: Nephronophthisis familial juvenile. Identifiers: Orphanet 655, Orphanet 93592, MedGen C1855681, MONDO:0009728, OMIM 256100.
Senior-Loken syndrome 1 (SLSN1). Also called: JUVENILE NEPHRONOPHTHISIS WITH LEBER AMAUROSIS. Identifiers: Orphanet 3156, MedGen C4551559, MONDO:0009962, OMIM 266900.
Nephronophthisis. Also called: Juvenile Nephronophthisis. Identifiers: Orphanet 655, MedGen C0687120, MONDO:0019005, HP:0000090.

Allele frequency attached by ClinVar (database versions not stated): gnomAD 0.00001; TOPMed 0.00001.
gnomAD v4.1: 1 of 1,613,936 alleles (0.000062%); highest among the groups gnomAD compares: Admixed American, 0.0017%; no homozygotes.

Submissions (3):

Fulgent Genetics
Classification: Uncertain significance for Nephronophthisis 1; Senior-Loken syndrome 1; Joubert syndrome with renal defect. Last evaluated: 2024-03-07. Review status: criteria provided, single submitter. Criteria: ACMG Guidelines, 2015. Collection method: clinical testing. Allele origin: germline.

Labcorp Genetics (formerly Invitae), Labcorp
Classification: Uncertain significance for Nephronophthisis. Last evaluated: 2021-08-28. Review status: criteria provided, single submitter. Criteria: Invitae Variant Classification Sherloc (09022015). Collection method: clinical testing. Allele origin: germline.
Comment: This sequence change replaces aspartic acid with asparagine at codon 645 of the NPHP1 protein (p.Asp645Asn). The aspartic acid residue is moderately conserved and there is a small physicochemical difference between aspartic acid and asparagine. This variant is not present in population databases (ExAC no frequency). This variant has not been reported in the literature in individuals affected with NPHP1-related conditions. Algorithms developed to predict the effect of missense changes on protein structure and function are either unavailable or do not agree on the potential impact of this missense change (SIFT: "Deleterious"; PolyPhen-2: "Probably Damaging"; Align-GVGD: "Class C0"). In summary, the available evidence is currently insufficient to determine the role of this variant in disease. Therefore, it has been classified as a Variant of Uncertain Significance.

PreventionGenetics, part of Exact Sciences
Classification: Uncertain significance for NPHP1-related condition. Last evaluated: 2024-05-02. Review status: no assertion criteria provided. Collection method: clinical testing. Allele origin: germline. Not counted in ClinVar's aggregate classification.
Comment: The NPHP1 c.1933G>A variant is predicted to result in the amino acid substitution p.Asp645Asn. To our knowledge, this variant has not been reported in the literature or in a large population database, indicating this variant is rare. At this time, the clinical significance of this variant is uncertain due to the absence of conclusive functional and genetic evidence.

NM_001128178.3(NPHP1):c.1765G>A (p.Asp589Asn)

Gene: NPHP1 (nephrocystin 1; minus strand). Cytogenetic location: 2q13.
Variant type: single nucleotide variant.
Coding change: c.1765G>A on transcript NM_001128178.3 (MANE Select); coding-DNA position 1765, G replaced by A.
Protein change: p.Asp589Asn; replaces aspartic acid 589 with asparagine.
Molecular consequence: missense variant. On other transcripts: 3 prime UTR variant (1).
Genome position (GRCh38, 1-based): chr2:110,124,060, C>T on the plus strand (G>A on the coding strand, the complement: NPHP1 is on the minus strand). VCF-style: chr2-110124060-C-T. GRCh37 (hg19) VCF-style: chr2-110881637-C-T.
Other names: c.1933G>A, p.Asp645Asn (NM_000272.5); c.1576G>A, p.Asp526Asn (NM_001128179.3); c.1762G>A, p.Asp588Asn (NM_001374256.1); c.*7G>A (NM_001374257.1); c.1930G>A, p.Asp644Asn (NM_207181.4); c.1933G>A (NM_000272.4); short protein forms D645N, D526N, D589N, D644N, D588N.
Identifiers: ClinVar variation 531631 (VCV000531631.8), dbSNP rs896252440, ClinGen allele CA53520626.